The following is an entry in ClinVar:

ClinVar aggregate classification (germline): Uncertain significance. Review status: criteria provided, multiple submitters, no conflicts (2 of 4 stars). 2 submissions from 2 submitters: Uncertain significance (2). Last evaluated 2025-11-12.

Conditions:
SLC26A4-related disorder. Also called: SLC26A4-related disorders; SLC26A4-related condition.

Submissions (2):

PreventionGenetics, part of Exact Sciences
Classification: Uncertain significance for SLC26A4-related condition. Last evaluated: 2025-11-12. Review status: criteria provided, single submitter. Criteria: ACMG Guidelines, 2015. Collection method: clinical testing. Allele origin: germline.
Comment: The SLC26A4 c.-4+5G>C variant is located in the 5' untranslated region. This variant is predicted to impact splicing based on available splicing prediction programs, although it occurs in the exon prior to the start codon and it is uncertain if it would impact the translation start site (SpliceAI, Jaganathan et al. 2019. PubMed ID: 30661751). To our knowledge, this variant has not been reported in the literature or in a large population database (gnomAD), indicating this variant is rare. At this time, the clinical significance of this variant is uncertain due to the absence of conclusive functional and genetic evidence.

Greenwood Genetic Center Diagnostic Laboratories, Greenwood Genetic Center
Classification: Uncertain significance. Last evaluated: 2024-09-05. Review status: criteria provided, single submitter. Criteria: ACMG Guidelines, 2015. Collection method: clinical testing. Allele origin: germline. Affected: yes.
Comment: PM2, PM3

NM_000441.2(SLC26A4):c.-4+5G>C

Genes: SLC26A4-AS1 (SLC26A4 antisense RNA 1; minus strand), SLC26A4 (solute carrier family 26 member 4; plus strand). Cytogenetic location: 7q22.3.
Variant type: single nucleotide variant.
Coding change: c.-4+5G>C on transcript NM_000441.2 (MANE Select); 5 bases into the intron after 4 bases upstream of the start codon, G replaced by C.
Molecular consequence: intron variant.
Genome position (GRCh38, 1-based): chr7:107,660,860, G>C. VCF-style: chr7-107660860-G-C. GRCh37 (hg19) VCF-style: chr7-107301305-G-C.
Other names: c.-4+5G>C (NM_000441.1).
Identifiers: ClinVar variation 3765631 (VCV003765631.2).